The following is an entry in ClinVar:

ClinVar aggregate classification (germline): Pathogenic/Likely pathogenic. Review status: criteria provided, multiple submitters, no conflicts (2 of 4 stars). 2 submissions from 2 submitters: Pathogenic (1); Likely pathogenic (1). Last evaluated 2022-06-06.

Submissions (2):

Labcorp Genetics (formerly Invitae), Labcorp
Classification: Pathogenic. Last evaluated: 2022-06-06. Review status: criteria provided, single submitter. Criteria: Invitae Variant Classification Sherloc (09022015). Collection method: clinical testing. Allele origin: germline.
Comment: This variant occurs in an alternate reading frame HRURF in the HR gene as c.2T>A (p.Met1?), and corresponds to NM_005144.4:c.-320T>A in the primary transcript. This sequence change affects the initiator methionine of the HRURF mRNA. The next in-frame methionine is located at codon 72. This variant is not present in population databases (gnomAD no frequency). Disruption of the initiator codon has been observed in individual(s) with autosomal dominant Marie Unna hereditary hypotrichosis (PMID: 19122663, 20055871). It has also been observed to segregate with disease in related individuals. ClinVar contains an entry for this variant (Variation ID: 1335706). Algorithms developed to predict the effect of variants on protein structure and function are not available or were not evaluated for this variant. Experimental studies have shown that disruption of the initiator codon affects HR function (PMID: 19122663). For these reasons, this variant has been classified as Pathogenic.

CeGaT Center for Human Genetics Tuebingen
Classification: Likely pathogenic. Last evaluated: 2021-11-01. Review status: criteria provided, single submitter. Criteria: CeGaT Center For Human Genetics Tuebingen Variant Classification Criteria Version 2. Collection method: clinical testing. Allele origin: germline. Affected: yes. Observed: 1 variant allele.

Literature cited by the submitters: PubMed 19122663 (cited by Labcorp Genetics (formerly Invitae), Labcorp); PubMed 20055871 (cited by Labcorp Genetics (formerly Invitae), Labcorp).

NM_005144.5(HR):c.-320T>A

Genes: HR (HR lysine demethylase and nuclear receptor corepressor; minus strand), HRURF (HR upstream open reading frame; minus strand). Cytogenetic location: 8p21.3.
Variant type: single nucleotide variant.
Coding change: c.-320T>A on transcript NM_005144.5 (MANE Select); 320 bases upstream of the start codon, T replaced by A.
Molecular consequence: 5 prime UTR variant. On other transcripts: missense variant (1), initiator codon variant (1).
Genome position (GRCh38, 1-based): chr8:22,130,707, A>T on the plus strand (T>A on the coding strand, the complement: HR is on the minus strand). VCF-style: chr8-22130707-A-T. GRCh37 (hg19) VCF-style: chr8-21988220-A-T.
Other names: c.2T>A, p.Met1Lys (NM_001394132.1); c.-320T>A (NM_018411.4); short protein forms M1K.
Identifiers: ClinVar variation 1335706 (VCV001335706.40), dbSNP rs387906382, ClinGen allele CA2573053003.